The following is an entry in ClinVar:

NM_001077418.3(TMEM231):c.309G>C (p.Ser103=)

Gene: TMEM231 (transmembrane protein 231; minus strand). Cytogenetic location: 16q23.1.
Variant type: single nucleotide variant.
Coding change: c.309G>C on transcript NM_001077418.3 (MANE Select); coding-DNA position 309, G replaced by C.
Protein change: p.Ser103=; no amino-acid change (serine 103 retained).
Molecular consequence: synonymous variant. On other transcripts: non-coding transcript variant (1).
Genome position (GRCh38, 1-based): chr16:75,555,804, C>G on the plus strand (G>C on the coding strand, the complement: TMEM231 is on the minus strand). VCF-style: chr16-75555804-C-G. GRCh37 (hg19) VCF-style: chr16-75589702-C-G.
Other names: c.468G>C, p.Ser156= (NM_001077416.2).
Identifiers: ClinVar variation 1062942 (VCV001062942.7), dbSNP rs2151710504, ClinGen allele CA496694734.

ClinVar aggregate classification (germline): Uncertain significance (1 of 4 stars; one submission).

Conditions:
Joubert syndrome 20 (JBTS20). Identifiers: Orphanet 475, MedGen C3554235, MONDO:0013994, OMIM 614970.
Meckel syndrome, type 11 (MKS11). Identifiers: Orphanet 564, MedGen C3809352, MONDO:0014164, OMIM 615397.

Submission:

Labcorp Genetics (formerly Invitae), Labcorp
Classification: Uncertain significance for Joubert syndrome 20; Meckel syndrome, type 11. Last evaluated: 2020-10-10. Review status: criteria provided, single submitter. Criteria: Invitae Variant Classification Sherloc (09022015). Collection method: clinical testing. Allele origin: germline.
Comment: In summary, the available evidence is currently insufficient to determine the role of this variant in disease. Therefore, it has been classified as a Variant of Uncertain Significance. Nucleotide substitutions within the consensus splice site are a relatively common cause of aberrant splicing (PMID: 17576681, 9536098). Algorithms developed to predict the effect of sequence changes on RNA splicing suggest that this variant may disrupt the consensus splice site, but this prediction has not been confirmed by published transcriptional studies. This variant has not been reported in the literature in individuals with TMEM231-related conditions. The frequency data for this variant in the population databases is considered unreliable, as metrics indicate insufficient coverage at this position in the ExAC database. This sequence change affects codon 156 of the TMEM231 mRNA. It is a 'silent' change, meaning that it does not change the encoded amino acid sequence of the TMEM231 protein. This variant also falls at the last nucleotide of exon 1 of the TMEM231 coding sequence, which is part of the consensus splice site for this exon.

Literature cited by the submitters: PubMed 17576681; PubMed 9536098.